The following is an entry in ClinVar:

NM_007194.4(CHEK2):c.884A>T (p.Glu295Val)

Gene: CHEK2 (checkpoint kinase 2; minus strand). Cytogenetic location: 22q12.1.
Variant type: single nucleotide variant.
Coding change: c.884A>T on transcript NM_007194.4 (MANE Select); coding-DNA position 884, A replaced by T.
Protein change: p.Glu295Val; replaces glutamic acid 295 with valine.
Molecular consequence: missense variant.
Genome position (GRCh38, 1-based): chr22:28,703,529, T>A on the plus strand (A>T on the coding strand, the complement: CHEK2 is on the minus strand). VCF-style: chr22-28703529-T-A. GRCh37 (hg19) VCF-style: chr22-29099517-T-A.
Other names: c.1013A>T, p.Glu338Val (NM_001005735.3); c.221A>T, p.Glu74Val (NM_001257387.3); c.683A>T, p.Glu228Val (NM_001349956.3); c.884A>T, p.Glu295Val (NM_145862.3); short protein forms E338V, E228V, E295V, E74V.
Identifiers: ClinVar variation 4002248 (VCV004002248.1).

ClinVar aggregate classification (germline): Uncertain significance (1 of 4 stars; one submission).

Conditions:
Hereditary cancer-predisposing syndrome. Also called: Tumor predisposition; Hereditary neoplastic syndrome; Neoplastic Syndromes, Hereditary; Hereditary Cancer Syndrome. Identifiers: Orphanet 140162, MedGen C0027672, MeSH D009386, MONDO:0015356.

Submission:

Ambry Genetics
Classification: Uncertain significance for Hereditary cancer-predisposing syndrome. Last evaluated: 2025-03-21. Review status: criteria provided, single submitter. Criteria: Ambry Variant Classification Scheme 2023. Collection method: clinical testing. Allele origin: germline.
Comment: The p.E295V variant (also known as c.884A>T), located in coding exon 7 of the CHEK2 gene, results from an A to T substitution at nucleotide position 884. The glutamic acid at codon 295 is replaced by valine, an amino acid with dissimilar properties. This amino acid position is highly conserved in available vertebrate species. In addition, the in silico prediction for this alteration is inconclusive. Based on the available evidence, the clinical significance of this variant remains unclear.